The following is an entry in ClinVar:

ClinVar aggregate classification (germline): Uncertain significance. Review status: criteria provided, multiple submitters, no conflicts (2 of 4 stars). 2 submissions from 2 submitters: Uncertain significance (2). Last evaluated 2025-10-21.

Conditions:
Inborn genetic diseases. Identifiers: MedGen C0950123, MeSH D030342.

Allele frequency attached by ClinVar (database versions not stated): ExAC 0.00001; gnomAD exomes 0.00001; gnomAD 0.00003; TOPMed 0.00003.
gnomAD v4.1: 12 of 1,612,566 alleles (0.00074%); highest among the groups gnomAD compares: Admixed American, 0.0083%; no homozygotes.

Submissions (2):

Labcorp Genetics (formerly Invitae), Labcorp
Classification: Uncertain significance. Last evaluated: 2025-10-21. Review status: criteria provided, single submitter. Criteria: Invitae Variant Classification Sherloc (09022015). Collection method: clinical testing. Allele origin: germline.
Comment: This sequence change replaces serine, which is neutral and polar, with asparagine, which is neutral and polar, at codon 652 of the CLCN7 protein (p.Ser652Asn). This variant is present in population databases (rs758623954, gnomAD 0.006%). This variant has not been reported in the literature in individuals affected with CLCN7-related conditions. ClinVar contains an entry for this variant (Variation ID: 1488286). Invitae Evidence Modeling of protein sequence and biophysical properties (such as structural, functional, and spatial information, amino acid conservation, physicochemical variation, residue mobility, and thermodynamic stability) indicates that this missense variant is not expected to disrupt CLCN7 protein function with a negative predictive value of 95%. In summary, the available evidence is currently insufficient to determine the role of this variant in disease. Therefore, it has been classified as a Variant of Uncertain Significance.

Ambry Genetics
Classification: Uncertain significance for Inborn genetic diseases. Last evaluated: 2024-03-25. Review status: criteria provided, single submitter. Criteria: Ambry Variant Classification Scheme 2023. Collection method: clinical testing. Allele origin: germline.

NM_001287.6(CLCN7):c.1955G>A (p.Ser652Asn)

Gene: CLCN7 (chloride voltage-gated channel 7; minus strand). Cytogenetic location: 16p13.3.
Variant type: single nucleotide variant.
Coding change: c.1955G>A on transcript NM_001287.6 (MANE Select); coding-DNA position 1955, G replaced by A.
Protein change: p.Ser652Asn; replaces serine 652 with asparagine.
Molecular consequence: missense variant.
Genome position (GRCh38, 1-based): chr16:1,448,413, C>T on the plus strand (G>A on the coding strand, the complement: CLCN7 is on the minus strand). VCF-style: chr16-1448413-C-T. GRCh37 (hg19) VCF-style: chr16-1498414-C-T.
Other names: c.1955G>A (NM_001287.4); c.1883G>A, p.Ser628Asn (NM_001114331.3); short protein forms S628N, S652N.
Identifiers: ClinVar variation 1488286 (VCV001488286.7), dbSNP rs758623954, ClinGen allele CA7809975.